The following is an entry in ClinVar:

ClinVar aggregate classification (germline): Uncertain significance (1 of 4 stars; one submission).

Conditions:
Deficiency of adenosine deaminase 2. Also called: Polyarteritis nodosa, childhoood-onset; Adenosine Deaminase 2 Deficiency; VASCULITIS, AUTOINFLAMMATION, IMMUNODEFICIENCY, AND HEMATOLOGIC DEFECTS SYNDROME. Identifiers: Orphanet 404553, MedGen C3887654, MONDO:0014306, OMIM 615688, MONDO:0100317.

Submission:

3billion
Classification: Uncertain significance for Deficiency of adenosine deaminase 2. Last evaluated: 2022-03-22. Review status: criteria provided, single submitter. Criteria: ACMG Guidelines, 2015. Collection method: clinical testing. Allele origin: germline. Affected: yes. Observed: 1 homozygote.
Comment: The variant is not observed in the gnomAD v2.1.1 dataset. In silico tool predictions suggest damaging effect of the variant on gene or gene product (REVEL: 0.781>=0.6). A missense variant is a common mechanism . Therefore, this variant is classified as uncertain significance according to the recommendation of ACMG/AMP guideline.

NM_001282225.2(ADA2):c.1354T>C (p.Ser452Pro)

Gene: ADA2 (adenosine deaminase 2; minus strand). Cytogenetic location: 22q11.1.
Variant type: single nucleotide variant.
Coding change: c.1354T>C on transcript NM_001282225.2 (MANE Select); coding-DNA position 1354, T replaced by C.
Protein change: p.Ser452Pro; replaces serine 452 with proline.
Molecular consequence: missense variant.
Genome position (GRCh38, 1-based): chr22:17,181,908, A>G on the plus strand (T>C on the coding strand, the complement: ADA2 is on the minus strand). VCF-style: chr22-17181908-A-G. GRCh37 (hg19) VCF-style: chr22-17662798-A-G.
Other names: c.1354T>C, p.Ser452Pro (NM_001282226.2); c.1228T>C, p.Ser410Pro (NM_001282227.2, NM_001282228.2); c.994T>C, p.Ser332Pro (NM_001282229.2); c.631T>C, p.Ser211Pro (NM_177405.3); short protein forms S211P, S332P, S410P, S452P.
Identifiers: ClinVar variation 1526201 (VCV001526201.1), dbSNP rs2123600965, ClinGen allele CA410231798.